The following is an entry in ClinVar:

NM_014319.5(LEMD3):c.239G>A (p.Gly80Glu)

Gene: LEMD3 (LEM domain containing 3; plus strand). Cytogenetic location: 12q14.3.
Variant type: single nucleotide variant.
Coding change: c.239G>A on transcript NM_014319.5 (MANE Select); coding-DNA position 239, G replaced by A.
Protein change: p.Gly80Glu; replaces glycine 80 with glutamic acid.
Molecular consequence: missense variant.
Genome position (GRCh38, 1-based): chr12:65,169,835, G>A. VCF-style: chr12-65169835-G-A. GRCh37 (hg19) VCF-style: chr12-65563615-G-A.
Other names: c.239G>A, p.Gly80Glu (NM_001167614.2); short protein forms G80E.
Identifiers: ClinVar variation 1378544 (VCV001378544.8), dbSNP rs757211962, ClinGen allele CA385672221.

ClinVar aggregate classification (germline): Uncertain significance (1 of 4 stars; one submission).

Submission:

Labcorp Genetics (formerly Invitae), Labcorp
Classification: Uncertain significance. Last evaluated: 2021-08-31. Review status: criteria provided, single submitter. Criteria: Invitae Variant Classification Sherloc (09022015). Collection method: clinical testing. Allele origin: germline.
Comment: In summary, the available evidence is currently insufficient to determine the role of this variant in disease. Therefore, it has been classified as a Variant of Uncertain Significance. Algorithms developed to predict the effect of missense changes on protein structure and function (SIFT, PolyPhen-2, Align-GVGD) all suggest that this variant is likely to be tolerated, but these predictions have not been confirmed by published functional studies and their clinical significance is uncertain. This variant has not been reported in the literature in individuals with LEMD3-related conditions. The frequency data for this variant in the population databases is considered unreliable, as metrics indicate insufficient coverage at this position in the ExAC database. This sequence change replaces glycine with glutamic acid at codon 80 of the LEMD3 protein (p.Gly80Glu). The glycine residue is weakly conserved and there is a moderate physicochemical difference between glycine and glutamic acid.